The following is an entry in ClinVar:

NM_001244008.2(KIF1A):c.5120T>C (p.Met1707Thr)

Gene: KIF1A (kinesin family member 1A; minus strand). Cytogenetic location: 2q37.3.
Variant type: single nucleotide variant.
Coding change: c.5120T>C on transcript NM_001244008.2 (MANE Select); coding-DNA position 5120, T replaced by C.
Protein change: p.Met1707Thr; replaces methionine 1707 with threonine.
Molecular consequence: missense variant.
Genome position (GRCh38, 1-based): chr2:240,719,100, A>G on the plus strand (T>C on the coding strand, the complement: KIF1A is on the minus strand). VCF-style: chr2-240719100-A-G. GRCh37 (hg19) VCF-style: chr2-241658517-A-G.
Other names: c.4844T>C, p.Met1615Thr (NM_001320705.2, NM_001379649.1); c.4871T>C, p.Met1624Thr (NM_001330289.2); c.4919T>C, p.Met1640Thr (NM_001330290.2, NM_001379648.1); c.5195T>C, p.Met1732Thr (NM_001379631.1); c.5096T>C, p.Met1699Thr (NM_001379632.1); c.5093T>C, p.Met1698Thr (NM_001379633.1, NM_001379645.1); c.4946T>C, p.Met1649Thr (NM_001379634.1); c.4943T>C, p.Met1648Thr (NM_001379635.1, NM_001379646.1); and 7 more; short protein forms M1615T, M1606T, M1624T, M1640T, M1707T, M1605T, M1614T, M1623T.
Identifiers: ClinVar variation 650201 (VCV000650201.9), dbSNP rs1575512547, ClinGen allele CA351298306.

ClinVar aggregate classification (germline): Uncertain significance (1 of 4 stars; one submission).

Conditions:
Neuropathy, hereditary sensory, type 2C. Also called: KIF1A-Related HSAN2 (HSAN2C); Hereditary sensory and autonomic neuropathy type IIC. Identifiers: Orphanet 970, MedGen C3280168, MONDO:0013634, OMIM 614213.
Intellectual disability, autosomal dominant 9 (NESCAVS). Also called: NESCAV SYNDROME; KIF1A-Related Neurodevelopmental Disorder. Identifiers: Orphanet 662367, MedGen C5393830, MONDO:0013656, OMIM 614255.
Hereditary spastic paraplegia 30. Identifiers: Orphanet 101010, MedGen C5235139, MONDO:0012476.

Allele frequency attached by ClinVar (database versions not stated): gnomAD exomes below 0.00001.

Submission:

Labcorp Genetics (formerly Invitae), Labcorp
Classification: Uncertain significance for Hereditary spastic paraplegia 30; Neuropathy, hereditary sensory, type 2C; Intellectual disability, autosomal dominant 9. Last evaluated: 2018-12-25. Review status: criteria provided, single submitter. Criteria: Invitae Variant Classification Sherloc (09022015). Collection method: clinical testing. Allele origin: germline.
Comment: This variant has not been reported in the literature in individuals with KIF1A-related conditions. This sequence change replaces methionine with threonine at codon 1606 of the KIF1A protein (p.Met1606Thr). The methionine residue is moderately conserved and there is a moderate physicochemical difference between methionine and threonine. This variant is not present in population databases (ExAC no frequency). Algorithms developed to predict the effect of missense changes on protein structure and function are either unavailable or do not agree on the potential impact of this missense change (SIFT: "Deleterious"; PolyPhen-2: "Benign"; Align-GVGD: "Class C0"). In summary, the available evidence is currently insufficient to determine the role of this variant in disease. Therefore, it has been classified as a Variant of Uncertain Significance.